The following is an entry in ClinVar:

NM_001083961.2(WDR62):c.2210+280C>T

Gene: WDR62 (WD repeat domain 62; plus strand). Cytogenetic location: 19q13.12.
Variant type: single nucleotide variant.
Coding change: c.2210+280C>T on transcript NM_001083961.2 (MANE Select); 280 bases into the intron after coding-DNA position 2210, C replaced by T.
Molecular consequence: intron variant.
Genome position (GRCh38, 1-based): chr19:36,091,745, C>T. VCF-style: chr19-36091745-C-T. GRCh37 (hg19) VCF-style: chr19-36582647-C-T.
Other names: c.2210+280C>T (NM_173636.5).
Identifiers: ClinVar variation 671308 (VCV000671308.1), dbSNP rs35759606, ClinGen allele CA14735766.

ClinVar aggregate classification (germline): Benign (1 of 4 stars; one submission).

Allele frequency attached by ClinVar (database versions not stated): gnomAD 0.12697 and 0.12981; TOPMed 0.13829; 1000 Genomes Project 0.16314; 1000 Genomes Project 30x 0.16318.
gnomAD v4.1: 19,672 of 151,718 alleles (13%); highest among the groups gnomAD compares: East Asian, 30%; 1,583 homozygotes.

Submission:

GeneDx
Classification: Benign. Last evaluated: 2018-06-14. Review status: criteria provided, single submitter. Criteria: GeneDx Variant Classification (06012015). Collection method: clinical testing. Allele origin: germline. Affected: yes.
Comment: This variant is considered likely benign or benign based on one or more of the following criteria: it is a conservative change, it occurs at a poorly conserved position in the protein, it is predicted to be benign by multiple in silico algorithms, and/or has population frequency not consistent with disease.